The following is an entry in ClinVar:

ClinVar aggregate classification (germline): Uncertain significance (1 of 4 stars; one submission).

Conditions:
Oto-palato-digital syndrome, type II (OPD2). Also called: FACIOPALATOOSSEOUS SYNDROME; OPD II SYNDROME; Otopalatodigital Syndrome, Type II; Otopalatodigital Syndrome Type 2 (FLNA-OPD2). Identifiers: Orphanet 669, Orphanet 90652, MedGen C1844696, MONDO:0010571, OMIM 304120.
Heterotopia, periventricular, X-linked dominant (PVNH1). Also called: PERIVENTRICULAR NODULAR HETEROTOPIA 1; X-linked periventricular heterotopia; PERIVENTRICULAR NODULAR HETEROTOPIA 4; HETEROTOPIA, PERIVENTRICULAR, 1. Identifiers: Orphanet 2149, Orphanet 82004, MedGen C1848213, MONDO:0010233, OMIM 300049.
Frontometaphyseal dysplasia (FMD1). Identifiers: Orphanet 1826, MedGen C0265293, MONDO:0015942.
Melnick-Needles syndrome (MNS). Also called: MELNICK-NEEDLES OSTEODYSPLASTY; OSTEODYSPLASTY OF MELNICK AND NEEDLES; Melnick-Needles Syndrome (FLNA-MNS). Identifiers: Orphanet 2484, MedGen C0025237, MONDO:0010650, OMIM 309350.

Allele frequency attached by ClinVar (database versions not stated): gnomAD exomes 0.00001.

Submission:

Labcorp Genetics (formerly Invitae), Labcorp
Classification: Uncertain significance for Oto-palato-digital syndrome, type II; Heterotopia, periventricular, X-linked dominant; Frontometaphyseal dysplasia; Melnick-Needles syndrome. Last evaluated: 2025-09-10. Review status: criteria provided, single submitter. Criteria: Invitae Variant Classification Sherloc (09022015). Collection method: clinical testing. Allele origin: germline.
Comment: This sequence change replaces arginine, which is basic and polar, with histidine, which is basic and polar, at codon 2140 of the FLNA protein (p.Arg2140His). This variant is not present in population databases (gnomAD no frequency). This variant has not been reported in the literature in individuals affected with FLNA-related conditions. ClinVar contains an entry for this variant (Variation ID: 2941679). Invitae Evidence Modeling of protein sequence and biophysical properties (such as structural, functional, and spatial information, amino acid conservation, physicochemical variation, residue mobility, and thermodynamic stability) indicates that this missense variant is not expected to disrupt FLNA protein function with a negative predictive value of 95%. In summary, the available evidence is currently insufficient to determine the role of this variant in disease. Therefore, it has been classified as a Variant of Uncertain Significance.

NM_001110556.2(FLNA):c.6443G>A (p.Arg2148His)

Gene: FLNA (filamin A; minus strand). Cytogenetic location: Xq28.
Variant type: single nucleotide variant.
Coding change: c.6443G>A on transcript NM_001110556.2 (MANE Select); coding-DNA position 6443, G replaced by A.
Protein change: p.Arg2148His; replaces arginine 2148 with histidine.
Molecular consequence: missense variant.
Genome position (GRCh38, 1-based): chrX:154,352,612, C>T on the plus strand (G>A on the coding strand, the complement: FLNA is on the minus strand). VCF-style: chrX-154352612-C-T. GRCh37 (hg19) VCF-style: chrX-153580980-C-T.
Other names: c.6419G>A, p.Arg2140His (NM_001456.4); short protein forms R2140H, R2148H.
Identifiers: ClinVar variation 2941679 (VCV002941679.3), dbSNP rs2522721541, ClinGen allele CA415192198.